The following is an entry in ClinVar:

ClinVar aggregate classification (germline): Likely benign. Review status: criteria provided, multiple submitters, no conflicts (2 of 4 stars). 3 submissions from 3 submitters: Likely benign (2). 1 of the submissions does not count toward it. Last evaluated 2025-08-27.

Conditions:
Combined immunodeficiency due to DOCK8 deficiency (HIES2). Also called: HIES autosomal recessive; Hyper-IgE recurrent infection syndrome, autosomal recessive; DOCK8 Deficiency; HYPER-IgE RECURRENT INFECTION SYNDROME 2, AUTOSOMAL RECESSIVE; HYPER-IgE SYNDROME 2, AUTOSOMAL RECESSIVE, WITH RECURRENT INFECTIONS. Identifiers: Orphanet 217390, MedGen C4722305, MONDO:0009478, OMIM 243700.
DOCK8-related disorder. Also called: DOCK8-related condition.

Allele frequency attached by ClinVar (database versions not stated): gnomAD 0.00003; TOPMed 0.00005; ESP Exome Variant Server 0.00008.
gnomAD v4.1: 110 of 1,613,966 alleles (0.0068%); highest among the groups gnomAD compares: Non-Finnish European, 0.0088%; no homozygotes.

Submissions (3):

Labcorp Genetics (formerly Invitae), Labcorp
Classification: Likely benign for Combined immunodeficiency due to DOCK8 deficiency. Last evaluated: 2025-08-27. Review status: criteria provided, single submitter. Criteria: Invitae Variant Classification Sherloc (09022015). Collection method: clinical testing. Allele origin: germline.

Blueprint Genetics
Classification: Likely benign. Last evaluated: 2024-11-22. Review status: criteria provided, single submitter. Criteria: ACMG Guidelines, 2015. Collection method: clinical testing. Allele origin: germline.

PreventionGenetics, part of Exact Sciences
Classification: Likely benign for DOCK8-related condition. Last evaluated: 2021-03-08. Review status: no assertion criteria provided. Collection method: clinical testing. Allele origin: germline. Not counted in ClinVar's aggregate classification.
Comment: This variant is classified as likely benign based on ACMG/AMP sequence variant interpretation guidelines (Richards et al. 2015 PMID: 25741868, with internal and published modifications).

NM_203447.4(DOCK8):c.3180C>G (p.Leu1060=)

Gene: DOCK8 (dedicator of cytokinesis 8; plus strand). Cytogenetic location: 9p24.3.
Variant type: single nucleotide variant.
Coding change: c.3180C>G on transcript NM_203447.4 (MANE Select); coding-DNA position 3180, C replaced by G.
Protein change: p.Leu1060=; no amino-acid change (leucine 1060 retained).
Molecular consequence: synonymous variant.
Genome position (GRCh38, 1-based): chr9:399,205, C>G. VCF-style: chr9-399205-C-G. GRCh37 (hg19) VCF-style: chr9-399205-C-G.
Other names: c.2880C>G, p.Leu960= (NM_001190458.2); c.2976C>G, p.Leu992= (NM_001193536.2).
Identifiers: ClinVar variation 733140 (VCV000733140.14), dbSNP rs371145573, ClinGen allele CA4958542.